The following is an entry in ClinVar:

ClinVar aggregate classification (germline): Pathogenic (1 of 4 stars; one submission).

Conditions:
Neurofibromatosis, type 1 (NF1). Also called: NEUROFIBROMATOSIS, TYPE I, SOMATIC; Peripheral type neurofibromatosis; Neurofibromatosis, type I; VON RECKLINGHAUSEN DISEASE. Identifiers: Orphanet 636, MedGen C0027831, MONDO:0018975, OMIM 162200. Disease mechanism: loss of function.

Submission:

Regional Center For Medical Genetics Timis, Louis Turcanu Emergency Hospital for Children Timisoara
Classification: Pathogenic for Neurofibromatosis, type 1. Review status: criteria provided, single submitter. Criteria: ACMG Guidelines, 2015. Collection method: clinical testing. Allele origin: unknown. Affected: yes.
Comment: The variant is absent from the population databases (gnomAD). The variant causes a reading frameshift, resulting in a premature stop codon within the sequence, an event associated with loss of function. Loss-of-function variants in NF1 are well established in association with neurofibromatosis type 1. The patient's phenotype is consistent with the NF1 gene. For these reasons, the variant has been classified as pathogenic.

NM_001042492.3(NF1):c.2110dup (p.Leu704fs)

Gene: NF1 (neurofibromin 1; plus strand). Cytogenetic location: 17q11.2.
Variant type: Duplication.
Coding change: c.2110dup on transcript NM_001042492.3 (MANE Select); coding-DNA position 2110, one base duplicated (C; older notation c.2110dupC).
Protein change: p.Leu704fs; shifts the reading frame from leucine 704.
Molecular consequence: frameshift variant.
Genome position (GRCh38, 1-based): chr17:31,226,543, C duplicated. VCF-style (leftmost placement, unchanged base first): chr17-31226542-T-TC. GRCh37 (hg19) VCF-style: chr17-29553560-T-TC.
Other names: c.2110dup, p.Leu704fs (NM_000267.4); short protein forms L704fs.
Identifiers: ClinVar variation 4857609 (VCV004857609.1).
Genomic context (GRCh38, chr17:31,226,542, plus strand): 5'-CCAGACCAAACTAGAAGTGGCCCTGTACATGTTTCTGTGGAACCCTGACACTGAAGCTGT[T>TC]CTGGTTGCCATGTCCTGTTTCCGCCACCTCTGTGAGGAAGCAGATATCCGGTGTGGGGTG-3'